The following is an entry in ClinVar:

NM_194454.3(KRIT1):c.150_151del (p.Lys51fs)

Gene: KRIT1 (KRIT1 ankyrin repeat containing; minus strand). Cytogenetic location: 7q21.2.
Variant type: Deletion.
Coding change: c.150_151del on transcript NM_194454.3 (MANE Select); coding-DNA positions 150 to 151, 2 bases deleted (GA; older notation c.150_151delGA).
Protein change: p.Lys51fs; shifts the reading frame from lysine 51.
Molecular consequence: frameshift variant. On other transcripts: 5 prime UTR variant (1).
Genome position (GRCh38, 1-based): chr7:92,241,104-92,241,105, TC deleted on the plus strand (GA on the coding strand, the reverse complement: KRIT1 is on the minus strand); deleting any 2 consecutive bases within chr7:92,241,104-92,241,106 gives the same sequence; the c. name uses the placement nearest the transcript's 3' end. VCF-style (leftmost placement, unchanged base first): chr7-92241103-TTC-T. GRCh37 (hg19) VCF-style: chr7-91870417-TTC-T.
Other names: c.150_151del, p.Lys51fs (NM_001013406.2, NM_001350669.1, NM_001350670.1 and 29 more transcripts); c.-434_-433del (NM_001350671.1); short protein forms K51fs.
Identifiers: ClinVar variation 2102716 (VCV002102716.5), dbSNP rs1348650457, ClinGen allele CA843837071.

ClinVar aggregate classification (germline): Pathogenic. Review status: criteria provided, multiple submitters, no conflicts (2 of 4 stars). 2 submissions from 2 submitters: Pathogenic (2). Last evaluated 2024-10-11.

Conditions:
Cerebral cavernous malformation 1. Also called: Familial Cerebral Cavernous Malformation 1; Cerebral cavernous malformations 1. Identifiers: MedGen C1366911, MONDO:0020724.
Cerebral cavernous malformation (CCM). Also called: Cerebral cavernous malformations; CAVERNOUS ANGIOMA, FAMILIAL; CAVERNOUS ANGIOMATOUS MALFORMATIONS; CEREBRAL CAPILLARY MALFORMATIONS; Cerebral cavernous hemangioma (type); Cavernous Hemangioma of Brain. Identifiers: Orphanet 221061, MedGen C2919945, MONDO:0000820, OMIM 116860, HP:0033522.

Submissions (2):

Human Genome Sequencing Center Clinical Lab, Baylor College of Medicine
Classification: Pathogenic for Cerebral cavernous malformations-1. Last evaluated: 2024-10-11. Review status: criteria provided, single submitter. Criteria: ACMG Guidelines, 2015. Collection method: clinical testing. Allele origin: paternal. Affected: yes.
Comment: Cerebral cavernous malformations may occur sporadically or as a familial disorder with incomplete penetrance and variable clinical expression (PMID: 14755725, 17562932, 27792856, 33651268). The c.150_151del variant is located in exon 5 of the KRIT1 gene, that encodes for KRIT1 ankyrin repeat containing protein 1 and creates a premature termination codon that is predicted to result in an absent or aberrant protein product. To our knowledge, this variant has not been reported in literature in individuals affected with KRIT1-related disorders. Loss-of-function variants in KRIT1 gene have been reported in multiple individuals affected with cerebral cavernous malformations (PMID:10508515, 11161805, 11222804, 12404106, 23595507, 24689081, 30161288) and classified as pathogenic by multiple submitters in ClinVar [e.g., c.151_154del (p.Lys51Phefs*13), VCV000279827.16; c.152_155del (p.Lys51Ilefs*13), VCV000265214.20]. This variant is rare (1/1611572 chromosomes; 0.000062%) in the general population database, gnomAD (v4.1.0) and classified as pathogenic by one submitter in ClinVar (VCV002102716.4). Therefore, the c.150_151del (p.Lys51Serfs*12) variant in KRIT1 gene is classified as pathogenic.

Labcorp Genetics (formerly Invitae), Labcorp
Classification: Pathogenic for Cerebral cavernous malformation. Last evaluated: 2022-02-23. Review status: criteria provided, single submitter. Criteria: Invitae Variant Classification Sherloc (09022015). Collection method: clinical testing. Allele origin: germline.
Comment: For these reasons, this variant has been classified as Pathogenic. This variant has not been reported in the literature in individuals affected with KRIT1-related conditions. This variant is not present in population databases (gnomAD no frequency). This sequence change creates a premature translational stop signal (p.Lys51Serfs*12) in the KRIT1 gene. It is expected to result in an absent or disrupted protein product. Loss-of-function variants in KRIT1 are known to be pathogenic (PMID: 10508515, 11222804, 12404106, 24689081).

Literature cited by the submitters: PubMed 14755725 (cited by Human Genome Sequencing Center Clinical Lab, Baylor College of Medicine); PubMed 17562932 (cited by Human Genome Sequencing Center Clinical Lab, Baylor College of Medicine); PubMed 27792856 (cited by Human Genome Sequencing Center Clinical Lab, Baylor College of Medicine); PubMed 33651268 (cited by Human Genome Sequencing Center Clinical Lab, Baylor College of Medicine); PubMed 10508515 (cited by Human Genome Sequencing Center Clinical Lab, Baylor College of Medicine and Labcorp Genetics (formerly Invitae), Labcorp); PubMed 11161805 (cited by Human Genome Sequencing Center Clinical Lab, Baylor College of Medicine); PubMed 11222804 (cited by Human Genome Sequencing Center Clinical Lab, Baylor College of Medicine and Labcorp Genetics (formerly Invitae), Labcorp); PubMed 12404106 (cited by Human Genome Sequencing Center Clinical Lab, Baylor College of Medicine and Labcorp Genetics (formerly Invitae), Labcorp); PubMed 23595507 (cited by Human Genome Sequencing Center Clinical Lab, Baylor College of Medicine); PubMed 24689081 (cited by Human Genome Sequencing Center Clinical Lab, Baylor College of Medicine and Labcorp Genetics (formerly Invitae), Labcorp); PubMed 30161288 (cited by Human Genome Sequencing Center Clinical Lab, Baylor College of Medicine).